The following is an entry in ClinVar:

NM_015267.4(CUX2):c.3754_3755insGCCCCC (p.Ser1252delinsCysProPro)

Gene: CUX2 (cut like homeobox 2; plus strand). Cytogenetic location: 12q24.12.
Variant type: Insertion.
Coding change: c.3754_3755insGCCCCC on transcript NM_015267.4 (MANE Select); coding-DNA positions 3754 to 3755, GCCCCC inserted.
Protein change: p.Ser1252delinsCysProPro.
Molecular consequence: inframe indel.
Genome position: GRCh38 VCF-style: chr12-111347618-T-TGCCCCC. GRCh37 (hg19) VCF-style: chr12-111785422-T-TGCCCCC.
Other names: c.3568_3569insGCCCCC, p.Ser1190delinsCysProPro (NM_001370598.1).
Identifiers: ClinVar variation 2643311 (VCV002643311.24), dbSNP rs1888863726, ClinGen allele CA951833472.
Genomic context (GRCh38, chr12:111,347,618, plus strand): 5'-ACCCAGGATGAGCCAGACCTTGATCCAAGCGGGGGTCCTGGAATCCTACCGCCAGGCCAC[T>TGCCCCC]CCCACCCAGACCCCACCCCGCAGAGCCCTGACTCTGAGACTGAGGACCAGAAGCCAACCG-3'

ClinVar aggregate classification (germline): Benign (1 of 4 stars; one submission).

Submission:

CeGaT Center for Human Genetics Tuebingen
Classification: Benign. Last evaluated: 2023-04-01. Review status: criteria provided, single submitter. Criteria: CeGaT Center For Human Genetics Tuebingen Variant Classification Criteria Version 2. Collection method: clinical testing. Allele origin: germline. Affected: yes. Observed: 2 variant alleles.
Comment: CUX2: BS1, BS2